The following is an entry in ClinVar:

ClinVar aggregate classification (germline): Uncertain significance (1 of 4 stars; one submission).

Conditions:
Hereditary cancer-predisposing syndrome. Also called: Neoplastic Syndromes, Hereditary; Tumor predisposition; Hereditary neoplastic syndrome; Hereditary Cancer Syndrome. Identifiers: Orphanet 140162, MedGen C0027672, MeSH D009386, MONDO:0015356.

Submission:

Ambry Genetics
Classification: Uncertain significance for Hereditary cancer-predisposing syndrome. Last evaluated: 2026-07-07. Review status: criteria provided, single submitter. Criteria: Ambry Variant Classification Scheme 2023. Collection method: clinical testing. Allele origin: germline.
Comment: The p.L6Q variant (also known as c.17T>A), located in coding exon 1 of the SDHC gene, results from a T to A substitution at nucleotide position 17. The leucine at codon 6 is replaced by glutamine, an amino acid with dissimilar properties. This amino acid position is conserved. In addition, this alteration is predicted to be deleterious by in silico analysis. Based on the available evidence, the clinical significance of this variant remains unclear.

NM_003001.5(SDHC):c.17T>A (p.Leu6Gln)

Gene: SDHC (succinate dehydrogenase complex subunit C; plus strand). Cytogenetic location: 1q23.3.
Variant type: single nucleotide variant.
Coding change: c.17T>A on transcript NM_003001.5 (MANE Select); coding-DNA position 17, T replaced by A.
Protein change: p.Leu6Gln; replaces leucine 6 with glutamine.
Molecular consequence: missense variant. On other transcripts: 5 prime UTR variant (2), non-coding transcript variant (1).
Genome position (GRCh38, 1-based): chr1:161,314,422, T>A. VCF-style: chr1-161314422-T-A. GRCh37 (hg19) VCF-style: chr1-161284212-T-A.
Other names: c.17T>A, p.Leu6Gln (NM_001407116.1, NM_001407117.1, NM_001407118.1 and 6 more transcripts); c.-544T>A (NM_001407119.1); c.-213T>A (NM_001407120.1); short protein forms L6Q.
Identifiers: ClinVar variation 5029293 (VCV005029293.1).